The following is an entry in ClinVar:

NM_000350.3(ABCA4):c.2147C>T (p.Thr716Met)

Gene: ABCA4 (ATP binding cassette subfamily A member 4; minus strand). Cytogenetic location: 1p22.1.
Variant type: single nucleotide variant.
Coding change: c.2147C>T on transcript NM_000350.3 (MANE Select); coding-DNA position 2147, C replaced by T.
Protein change: p.Thr716Met; replaces threonine 716 with methionine.
Molecular consequence: missense variant.
Genome position (GRCh38, 1-based): chr1:94,060,550, G>A on the plus strand (C>T on the coding strand, the complement: ABCA4 is on the minus strand). VCF-style: chr1-94060550-G-A. GRCh37 (hg19) VCF-style: chr1-94526106-G-A.
Other names: c.2147C>T, p.Thr716Met (NM_001425324.1); short protein forms T716M.
Identifiers: ClinVar variation 99119 (VCV000099119.9), dbSNP rs61749426, ClinGen allele CA226982.

ClinVar aggregate classification (germline): Conflicting classifications of pathogenicity. Review status: criteria provided, conflicting classifications (1 of 4 stars). 4 submissions from 4 submitters: Likely pathogenic (1); Uncertain significance (2). 1 of the submissions does not count toward it. Last evaluated 2024-04-25.

Conditions:
Retinal dystrophy. Also called: Inherited retinal dystrophy. Identifiers: Orphanet 71862, MedGen C0854723, MeSH D058499, MONDO:0019118, HP:0000556.

Allele frequency attached by ClinVar (database versions not stated): ExAC 0.00002; gnomAD exomes 0.00002 and 0.00003; gnomAD 0.00003; TOPMed 0.00003; ESP Exome Variant Server 0.00008.
gnomAD v4.1: 54 of 1,613,808 alleles (0.0033%); highest among the groups gnomAD compares: South Asian, 0.0066%; no homozygotes.

Submissions (4):

Labcorp Genetics (formerly Invitae), Labcorp
Classification: Uncertain significance. Last evaluated: 2024-04-25. Review status: criteria provided, single submitter. Criteria: Invitae Variant Classification Sherloc (09022015). Collection method: clinical testing. Allele origin: germline.
Comment: This sequence change replaces threonine, which is neutral and polar, with methionine, which is neutral and non-polar, at codon 716 of the ABCA4 protein (p.Thr716Met). This variant is present in population databases (rs61749426, gnomAD 0.007%). This missense change has been observed in individual(s) with Stargardt disease (PMID: 11328725). ClinVar contains an entry for this variant (Variation ID: 99119). Advanced modeling of protein sequence and biophysical properties (such as structural, functional, and spatial information, amino acid conservation, physicochemical variation, residue mobility, and thermodynamic stability) performed at Invitae indicates that this missense variant is expected to disrupt ABCA4 protein function with a positive predictive value of 95%. Experimental studies have shown that this missense change affects ABCA4 function (PMID: 33375396, 34625547). In summary, the available evidence is currently insufficient to determine the role of this variant in disease. Therefore, it has been classified as a Variant of Uncertain Significance.

Women's Health and Genetics/Laboratory Corporation of America, LabCorp
Classification: Uncertain significance. Last evaluated: 2023-04-27. Review status: criteria provided, single submitter. Criteria: LabCorp Variant Classification Summary - May 2015. Collection method: clinical testing. Allele origin: germline.
Comment: Variant summary: ABCA4 c.2147C>T (p.Thr716Met) results in a non-conservative amino acid change in the encoded protein sequence. Five of five in-silico tools predict a damaging effect of the variant on protein function. The variant allele was found at a frequency of 2.4e-05 in 251256 control chromosomes. The available data on variant occurrences in the general population are insufficient to allow any conclusion about variant significance. c.2147C>T has been reported in the literature as a non-informative genotype in an individuals affected with Stargardt disease (example, Webster_2001). These report(s) do not provide unequivocal conclusions about association of the variant with Retinitis Pigmentosa/Stargardt disease. At least one publication reports experimental evidence evaluating an impact on protein function, however, does not allow convincing conclusions about the variant effect (Garces_2020). The following publications have been ascertained in the context of this evaluation (PMID: 33375396, 11328725). One clinical diagnostic laboratory has submitted clinical-significance assessments for this variant to ClinVar after 2014 and classified the variant as uncertain significance. Based on the evidence outlined above, the variant was classified as uncertain significance.

Institute of Human Genetics, Univ. Regensburg, Univ. Regensburg
Classification: Likely pathogenic for Retinal dystrophy. Last evaluated: 2021-01-01. Review status: criteria provided, single submitter. Criteria: ACMG Guidelines, 2015. Collection method: clinical testing. Allele origin: germline. Affected: yes.

Retina International
No classification provided. Review status: no classification provided. Collection method: not provided. Allele origin: not provided. Not counted in ClinVar's aggregate classification.

Literature cited by the submitters: PubMed 11328725 (cited by 3 submitters); PubMed 33375396 (cited by Labcorp Genetics (formerly Invitae), Labcorp and Women's Health and Genetics/Laboratory Corporation of America, LabCorp); PubMed 34625547 (cited by Labcorp Genetics (formerly Invitae), Labcorp); PubMed 3337539 (cited by Institute of Human Genetics, Univ. Regensburg, Univ. Regensburg).